The following is an entry in ClinVar:

NM_000059.4(BRCA2):c.692G>A (p.Ser231Asn)

Gene: BRCA2 (BRCA2 DNA repair associated; plus strand). Cytogenetic location: 13q13.1.
Variant type: single nucleotide variant.
Coding change: c.692G>A on transcript NM_000059.4 (MANE Select); coding-DNA position 692, G replaced by A.
Protein change: p.Ser231Asn; replaces serine 231 with asparagine.
Molecular consequence: missense variant.
Genome position (GRCh38, 1-based): chr13:32,330,929, G>A. VCF-style: chr13-32330929-G-A. GRCh37 (hg19) VCF-style: chr13-32905066-G-A.
Other names: short protein forms S231N.
Identifiers: ClinVar variation 418882 (VCV000418882.2), dbSNP rs1064793498, ClinGen allele CA16619648.
Genomic context (GRCh38, chr13:32,330,929, plus strand): 5'-TGTGCATTGAGAGTTTTTATACTAGTGATTTTAAACTATAATTTTTGCAGAATGTGAAAA[G>A]CTATTTTTCCAATCATGATGAAAGTCTGAAGAAAAATGATAGATTTATCGCTTCTGTGAC-3'
Protein context (NP_000050.3, residues 221-241): FPHDTTANVK[Ser231Asn]YFSNHDESLK

ClinVar aggregate classification (germline): Uncertain significance (1 of 4 stars; one submission).

Submission:

GeneDx
Classification: Uncertain significance. Last evaluated: 2015-04-14. Review status: criteria provided, single submitter. Criteria: GeneDx Variant Classification (06012015). Collection method: clinical testing. Allele origin: germline. Affected: yes.
Comment: This variant is denoted BRCA2 c.692G>A at the cDNA level, p.Ser231Asn (S231N) at the protein level, and results in the change of a Serine to an Asparagine (AGC>AAC). Using alternate nomenclature, this variant would be defined as BRCA2 920G>A. This variant has not, to our knowledge, been published in the literature as pathogenic or benign. BRCA2 Ser231Asn was not observed in approximately 6,500 individuals of European and African American ancestry in the NHLBI Exome Sequencing Project, indicating it is not a common benign variant in these populations. Since Serine and Asparagine share similar properties, this is considered a conservative amino acid substitution. BRCA2 Ser231Asn occurs at a position that is not conserved across species and is not located in a known functional domain (UniProt). In silico analyses predict that this variant is unlikely to alter protein structure or function. Based on currently available information, it is unclear whether BRCA2 Ser231Asn is pathogenic or benign. We consider it to be a variant of uncertain significance.